The following is an entry in ClinVar:

ClinVar aggregate classification (germline): Uncertain significance (1 of 4 stars; one submission).

Conditions:
Hereditary nonpolyposis colorectal neoplasms. Identifiers: MedGen C0009405, MeSH D003123.

Submission:

Labcorp Genetics (formerly Invitae), Labcorp
Classification: Uncertain significance for Hereditary nonpolyposis colorectal neoplasms. Last evaluated: 2022-06-01. Review status: criteria provided, single submitter. Criteria: Invitae Variant Classification Sherloc (09022015). Collection method: clinical testing. Allele origin: germline.
Comment: This variant has not been reported in the literature in individuals affected with PMS2-related conditions. Advanced modeling of protein sequence and biophysical properties (such as structural, functional, and spatial information, amino acid conservation, physicochemical variation, residue mobility, and thermodynamic stability) performed at Invitae indicates that this missense variant is not expected to disrupt PMS2 protein function. Algorithms developed to predict the effect of sequence changes on RNA splicing suggest that this variant may disrupt the consensus splice site. In summary, the available evidence is currently insufficient to determine the role of this variant in disease. Therefore, it has been classified as a Variant of Uncertain Significance. This variant is not present in population databases (gnomAD no frequency). This sequence change replaces alanine, which is neutral and non-polar, with glycine, which is neutral and non-polar, at codon 196 of the PMS2 protein (p.Ala196Gly).

NM_000535.7(PMS2):c.587C>G (p.Ala196Gly)

Gene: PMS2 (PMS1 homolog 2, mismatch repair system component; minus strand). Cytogenetic location: 7p22.1.
Variant type: single nucleotide variant.
Coding change: c.587C>G on transcript NM_000535.7 (MANE Select); coding-DNA position 587, C replaced by G.
Protein change: p.Ala196Gly; replaces alanine 196 with glycine.
Molecular consequence: missense variant. On other transcripts: non-coding transcript variant (1), intron variant (1), 5 prime UTR variant (2).
Genome position (GRCh38, 1-based): chr7:5,999,226, G>C on the plus strand (C>G on the coding strand, the complement: PMS2 is on the minus strand). VCF-style: chr7-5999226-G-C. GRCh37 (hg19) VCF-style: chr7-6038857-G-C.
Other names: c.182C>G, p.Ala61Gly (NM_001018040.1, NM_001322003.2, NM_001322004.2 and 22 more transcripts); c.587C>G, p.Ala196Gly (NM_001322006.2, NM_001322014.2, NM_001406869.1 and 5 more transcripts); c.269C>G, p.Ala90Gly (NM_001322007.2, NM_001322008.2, NM_001406876.1 and 4 more transcripts); c.133-1803C>G (NM_001322013.2); c.-347C>G (NM_001322011.2, NM_001322012.2); c.278C>G, p.Ala93Gly (NM_001322015.2, NM_001406875.1, NM_001406877.1 and 6 more transcripts); c.773C>G, p.Ala258Gly (NM_001406866.1); c.611C>G, p.Ala204Gly (NM_001406868.1); and 1 more; short protein forms A196G, A61G, T84R, A93G, A204G, A258G, A90G.
Identifiers: ClinVar variation 2001587 (VCV002001587.4), dbSNP rs1554302485, ClinGen allele CA366744030.